The following is an entry in ClinVar:

NM_001042472.3(ABHD12):c.315C>T (p.Phe105=)

Gene: ABHD12 (abhydrolase domain containing 12, lysophospholipase; minus strand). Cytogenetic location: 20p11.21.
Variant type: single nucleotide variant.
Coding change: c.315C>T on transcript NM_001042472.3 (MANE Select); coding-DNA position 315, C replaced by T.
Protein change: p.Phe105=; no amino-acid change (phenylalanine 105 retained).
Molecular consequence: synonymous variant.
Genome position (GRCh38, 1-based): chr20:25,339,228, G>A on the plus strand (C>T on the coding strand, the complement: ABHD12 is on the minus strand). VCF-style: chr20-25339228-G-A. GRCh37 (hg19) VCF-style: chr20-25319864-G-A.
Other names: c.315C>T, p.Phe105= (NM_015600.5).
Identifiers: ClinVar variation 848451 (VCV000848451.14), dbSNP rs151069701, ClinGen allele CA9796203.

ClinVar aggregate classification (germline): Conflicting classifications of pathogenicity. Review status: criteria provided, conflicting classifications (1 of 4 stars). 4 submissions from 4 submitters: Uncertain significance (2); Likely benign (2). Last evaluated 2024-11-14.

Conditions:
ABHD12-related disorder. Also called: ABHD12-related condition.
PHARC syndrome. Also called: Polyneuropathy-hearing loss-ataxia-retinitis pigmentosa-cataract syndrome. Identifiers: Orphanet 171848, MedGen C2675204, MONDO:0012984, OMIM 612674.

Allele frequency attached by ClinVar (database versions not stated): ExAC 0.00002; gnomAD 0.00003 and 0.00004; gnomAD exomes 0.00003 and 0.00005; TOPMed 0.00004; ESP Exome Variant Server 0.00023.
gnomAD v4.1: 75 of 1,613,900 alleles (0.0046%); highest among the groups gnomAD compares: East Asian, 0.011%; no homozygotes.

Submissions (4):

PreventionGenetics, part of Exact Sciences
Classification: Likely benign for ABHD12-related condition. Last evaluated: 2024-11-14. Review status: criteria provided, single submitter. Criteria: ACMG Guidelines, 2015. Collection method: clinical testing. Allele origin: germline.
Comment: This variant is classified as likely benign based on ACMG/AMP sequence variant interpretation guidelines (Richards et al. 2015 PMID: 25741868, with internal and published modifications).

Labcorp Genetics (formerly Invitae), Labcorp
Classification: Uncertain significance. Last evaluated: 2022-09-01. Review status: criteria provided, single submitter. Criteria: Invitae Variant Classification Sherloc (09022015). Collection method: clinical testing. Allele origin: germline.
Comment: In summary, the available evidence is currently insufficient to determine the role of this variant in disease. Therefore, it has been classified as a Variant of Uncertain Significance. Algorithms developed to predict the effect of sequence changes on RNA splicing suggest that this variant is not likely to affect RNA splicing. ClinVar contains an entry for this variant (Variation ID: 848451). This variant has not been reported in the literature in individuals affected with ABHD12-related conditions. This variant is present in population databases (rs151069701, gnomAD 0.02%). This sequence change affects codon 105 of the ABHD12 mRNA. It is a 'silent' change, meaning that it does not change the encoded amino acid sequence of the ABHD12 protein. It affects a nucleotide within the consensus splice site.

Blueprint Genetics
Classification: Likely benign. Last evaluated: 2021-12-10. Review status: criteria provided, single submitter. Criteria: ACMG Guidelines, 2015. Collection method: clinical testing. Allele origin: germline.

Illumina Laboratory Services, Illumina
Classification: Uncertain significance for PHARC syndrome. Last evaluated: 2018-01-12. Review status: criteria provided, single submitter. Criteria: ICSL Variant Classification Criteria 13 December 2019. Collection method: clinical testing. Allele origin: germline.